The following is an entry in ClinVar:

NM_000383.4(AIRE):c.1400+10C>T

Gene: AIRE (autoimmune regulator; plus strand). Cytogenetic location: 21q22.3.
Variant type: single nucleotide variant.
Coding change: c.1400+10C>T on transcript NM_000383.4 (MANE Select); 10 bases into the intron after coding-DNA position 1400, C replaced by T.
Molecular consequence: intron variant.
Genome position (GRCh38, 1-based): chr21:44,293,920, C>T. VCF-style: chr21-44293920-C-T. GRCh37 (hg19) VCF-style: chr21-45713803-C-T.
Other names: p.?.
Identifiers: ClinVar variation 784595 (VCV000784595.15), dbSNP rs372277949, ClinGen allele CA10052092.
Genomic context (GRCh38, chr21:44,293,920, plus strand): 5'-CGCTGCCTTCCACTGGCGCTGCCACTTCCCAGCCGGCACCTCCCGGCCCGGGTGAGTGAG[C>T]GTGGTCGGCGGGGAGGCCTGAACCCACACCCACACCCTACACCCCACCCCACACTCCCCA-3'

ClinVar aggregate classification (germline): Benign/Likely benign. Review status: criteria provided, multiple submitters, no conflicts (2 of 4 stars). 5 submissions from 5 submitters: Benign (2); Likely benign (2). 1 of the submissions does not count toward it. Last evaluated 2026-01-31.

Conditions:
Polyglandular autoimmune syndrome, type 1 (APS1). Also called: HYPOADRENOCORTICISM WITH HYPOPARATHYROIDISM AND SUPERFICIAL MONILIASIS; Autoimmune polyendocrine syndrome type 1; Autoimmune polyendocrinopathy syndrome, type I; AUTOIMMUNE POLYENDOCRINE SYNDROME, TYPE I, WITH OR WITHOUT REVERSIBLE METAPHYSEAL DYSPLASIA; APS I; Autoimmune polyendocrinopathy syndrome , type I, with or without reversible metaphyseal dysplasia. Identifiers: Orphanet 3453, MedGen C0085859, MONDO:0009411, OMIM 240300.

Allele frequency attached by ClinVar (database versions not stated): gnomAD exomes 0.00078; ExAC 0.00097; 1000 Genomes Project 0.00180; 1000 Genomes Project 30x 0.00250; gnomAD 0.00287 and 0.00304; TOPMed 0.00316; ESP Exome Variant Server 0.00324.
gnomAD v4.1: 859 of 1,596,042 alleles (0.054%); highest among the groups gnomAD compares: African/African-American, 0.92%; 5 homozygotes.

Submissions (5):

Labcorp Genetics (formerly Invitae), Labcorp
Classification: Benign for Polyglandular autoimmune syndrome, type 1. Last evaluated: 2026-01-31. Review status: criteria provided, single submitter. Criteria: Invitae Variant Classification Sherloc (09022015). Collection method: clinical testing. Allele origin: germline.

Mayo Clinic Laboratories, Mayo Clinic
Classification: Likely benign. Last evaluated: 2025-01-13. Review status: criteria provided, single submitter. Criteria: ACMG Guidelines, 2015. Collection method: clinical testing. Allele origin: germline. Observed: 2 variant alleles.
Comment: BS1, BP4, BP7

Blueprint Genetics
Classification: Likely benign. Last evaluated: 2024-11-28. Review status: criteria provided, single submitter. Criteria: ACMG Guidelines, 2015. Collection method: clinical testing. Allele origin: germline.

Women's Health and Genetics/Laboratory Corporation of America, LabCorp
Classification: Benign. Last evaluated: 2023-01-06. Review status: criteria provided, single submitter. Criteria: LabCorp Variant Classification Summary - May 2015. Collection method: clinical testing. Allele origin: germline.
Comment: Variant summary: AIRE c.1400+10C>T alters a non-conserved nucleotide located close to a canonical splice site and therefore could affect mRNA splicing, leading to a significantly altered protein sequence. Three computational tools predict the variant creates/strengthens a cryptic intronic 5' donor site. However, these predictions have yet to be confirmed by functional studies. The variant allele was found at a frequency of 0.00078 in 233548 control chromosomes, predominantly at a frequency of 0.01 within the African or African-American subpopulation in the gnomAD database, including 2 homozygotes. The observed variant frequency within African or African-American control individuals in the gnomAD database is approximately 4-fold of the estimated maximal expected allele frequency for a pathogenic variant in AIRE causing Autoimmune Polyglandular Syndrome Type 1 phenotype (0.0028), strongly suggesting that the variant is a benign polymorphism found primarily in populations of African or African-American origin. To our knowledge, no occurrence of c.1400+10C>T in individuals affected with Autoimmune Polyglandular Syndrome Type 1 and no experimental evidence demonstrating its impact on protein function have been reported. Two ClinVar submitters (evaluation after 2014) cite the variant as benign. Based on the evidence outlined above, the variant was classified as benign.

Natera, Inc.
Classification: Benign for Polyglandular autoimmune syndrome type 1. Last evaluated: 2020-09-16. Review status: no assertion criteria provided. Collection method: clinical testing. Allele origin: germline. Not counted in ClinVar's aggregate classification.